The following is an entry in ClinVar:

ClinVar aggregate classification (germline): Uncertain significance (1 of 4 stars; one submission).

Conditions:
Left ventricular noncompaction 1 (LVNC1). Also called: LEFT VENTRICULAR NONCOMPACTION 1 WITH OR WITHOUT CONGENITAL HEART DEFECTS. Identifiers: Orphanet 54260, MedGen C1858725, MONDO:0011403, OMIM 604169.

gnomAD v4.1: 4 of 1,608,010 alleles (0.00025%); highest among the groups gnomAD compares: Non-Finnish European, 0.00034%; no homozygotes.

Submission:

Labcorp Genetics (formerly Invitae), Labcorp
Classification: Uncertain significance for Left ventricular noncompaction 1. Last evaluated: 2024-12-22. Review status: criteria provided, single submitter. Criteria: Invitae Variant Classification Sherloc (09022015). Collection method: clinical testing. Allele origin: germline.
Comment: This sequence change falls in intron 15 of the DTNA gene. It does not directly change the encoded amino acid sequence of the DTNA protein. It affects a nucleotide within the consensus splice site. The frequency data for this variant in the population databases is considered unreliable, as metrics indicate poor data quality at this position in the gnomAD database. This variant has not been reported in the literature in individuals affected with DTNA-related conditions. Variants that disrupt the consensus splice site are a relatively common cause of aberrant splicing (PMID: 17576681, 9536098). Algorithms developed to predict the effect of sequence changes on RNA splicing suggest that this variant is not likely to affect RNA splicing. In summary, the available evidence is currently insufficient to determine the role of this variant in disease. Therefore, it has been classified as a Variant of Uncertain Significance.

Literature cited by the submitters: PubMed 17576681; PubMed 9536098.

NM_001386795.1(DTNA):c.1647-3T>C

Gene: DTNA (dystrobrevin alpha; plus strand). Cytogenetic location: 18q12.1.
Variant type: single nucleotide variant.
Coding change: c.1647-3T>C on transcript NM_001386795.1 (MANE Select); 3 bases into the intron before coding-DNA position 1647, T replaced by C.
Molecular consequence: intron variant.
Genome position (GRCh38, 1-based): chr18:34,863,963, T>C. VCF-style: chr18-34863963-T-C. GRCh37 (hg19) VCF-style: chr18-32443927-T-C.
Other names: c.1395-3T>C (NM_032975.4, NM_001386761.1, NM_032979.5); c.1392-3T>C (NM_001386762.1); c.1476-3T>C (NM_001386754.1, NM_001386755.1, NM_001386757.1 and 4 more transcripts); c.1473-3T>C (NM_001386760.1); c.1386-3T>C (NM_001386763.1, NM_001386764.1, NM_001386771.1 and 9 more transcripts); c.1383-3T>C (NM_001386768.1, NM_001386773.1, NM_001386769.1 and 1 more transcripts); c.816-3T>C (NM_001198945.2); c.1647-3T>C (NM_001386788.1); and 7 more.
Identifiers: ClinVar variation 3609881 (VCV003609881.2).